The following is an entry in ClinVar:

ClinVar aggregate classification (germline): Benign/Likely benign. Review status: criteria provided, multiple submitters, no conflicts (2 of 4 stars). 7 submissions from 7 submitters: Benign (2); Likely benign (5). Last evaluated 2025-12-27.

Conditions:
Familial thoracic aortic aneurysm and aortic dissection (TAAD). Also called: Thoracic aortic aneurysms and dissections. Identifiers: Orphanet 91387, MedGen C4707243, MONDO:0019625.
Aneurysm-osteoarthritis syndrome. Also called: Loeys-Dietz syndrome, type 1C; ANEURYSMS-OSTEOARTHRITIS SYNDROME; SMAD3-Related Loeys-Dietz Syndrome; LOEYS-DIETZ SYNDROME WITH OSTEOARTHRITIS. Identifiers: Orphanet 284984, MedGen C3151087, MONDO:0013426, OMIM 613795.

Allele frequency attached by ClinVar (database versions not stated): gnomAD exomes 0.00019 and 0.00012; 1000 Genomes Project 0.00020; ESP Exome Variant Server 0.00008; gnomAD 0.00010; TOPMed 0.00015; 1000 Genomes Project 30x 0.00016; ExAC 0.00016.
gnomAD v4.1: 316 of 1,612,488 alleles (0.02%); highest among the groups gnomAD compares: Non-Finnish European, 0.022%; 1 homozygote.

Submissions (7):

Labcorp Genetics (formerly Invitae), Labcorp
Classification: Likely benign for Familial thoracic aortic aneurysm and aortic dissection. Last evaluated: 2025-12-27. Review status: criteria provided, single submitter. Criteria: Invitae Variant Classification Sherloc (09022015). Collection method: clinical testing. Allele origin: germline.

Blueprint Genetics
Classification: Likely benign. Last evaluated: 2024-10-04. Review status: criteria provided, single submitter. Criteria: ACMG Guidelines, 2015. Collection method: clinical testing. Allele origin: germline.

All of Us Research Program, National Institutes of Health
Classification: Likely benign for Aneurysm-osteoarthritis syndrome. Last evaluated: 2024-01-11. Review status: criteria provided, single submitter. Criteria: ACMG Guidelines, 2015. Collection method: clinical testing. Allele origin: germline. Inheritance: Autosomal dominant inheritance. Observed: 33 variant alleles, 33 heterozygotes.
Comment: This study involves interpretation of variants in research participants for the purpose of population health screening. Participant phenotype was not available at the time of variant classification. Additional details can be found in publication PMID: 35346344, PMCID: PMC8962531

Women's Health and Genetics/Laboratory Corporation of America, LabCorp
Classification: Benign. Last evaluated: 2023-10-19. Review status: criteria provided, single submitter. Criteria: LabCorp Variant Classification Summary - May 2015. Collection method: clinical testing. Allele origin: germline.

ARUP Laboratories, Molecular Genetics and Genomics, ARUP Laboratories
Classification: Likely benign for Aneurysm-osteoarthritis syndrome. Last evaluated: 2020-10-20. Review status: criteria provided, single submitter. Criteria: ARUP Molecular Germline Variant Investigation Process 2021. Collection method: clinical testing. Allele origin: germline.

Color Diagnostics, LLC DBA Color Health
Classification: Likely benign for Familial thoracic aortic aneurysm and aortic dissection. Last evaluated: 2018-11-11. Review status: criteria provided, single submitter. Criteria: ACMG Guidelines, 2015. Collection method: clinical testing. Allele origin: germline.

GeneDx
Classification: Benign. Last evaluated: 2015-09-16. Review status: criteria provided, single submitter. Criteria: GeneDx Variant Classification (06012015). Collection method: clinical testing. Allele origin: germline. Affected: yes.
Comment: This variant is considered likely benign or benign based on one or more of the following criteria: it is a conservative change, it occurs at a poorly conserved position in the protein, it is predicted to be benign by multiple in silico algorithms, and/or has population frequency not consistent with disease.

NM_005902.4(SMAD3):c.207-13C>T

Gene: SMAD3 (SMAD family member 3; plus strand). Cytogenetic location: 15q22.33.
Variant type: single nucleotide variant.
Coding change: c.207-13C>T on transcript NM_005902.4 (MANE Select); 13 bases into the intron before coding-DNA position 207, C replaced by T.
Molecular consequence: intron variant.
Genome position (GRCh38, 1-based): chr15:67,164,882, C>T. VCF-style: chr15-67164882-C-T. GRCh37 (hg19) VCF-style: chr15-67457220-C-T.
Other names: c.-109-13C>T (NM_001145102.2); c.75-13C>T (NM_001145103.2).
Identifiers: ClinVar variation 378620 (VCV000378620.20), dbSNP rs200548744, ClinGen allele CA061944.
Genomic context (GRCh38, chr15:67,164,882, plus strand): 5'-AGGAGGCCGGACTCTGCAGAAAGCAAGCACAATCCACATTTCCCTCTCTTTCTGCCCCTC[C>T]CCGTCCTGGCAGGTCCCTGGATGGCCGGTTGCAGGTGTCCCATCGGAAGGGGCTCCCTCA-3'